The following is an entry in ClinVar:

ClinVar aggregate classification (germline): Uncertain significance. Review status: criteria provided, multiple submitters, no conflicts (2 of 4 stars). 6 submissions from 6 submitters: Uncertain significance (5). 1 of the submissions does not count toward it. Last evaluated 2026-09-08.

Conditions:
CEP290-related disorder. Also called: CEP290-related disorders; CEP290-related condition. Identifiers: MedGen CN239314.
Nephronophthisis. Also called: Juvenile Nephronophthisis. Identifiers: Orphanet 655, MedGen C0687120, MONDO:0019005, HP:0000090.
Meckel-Gruber syndrome. Also called: GRUBER SYNDROME; Dysencephalia splachnocystica; DYSENCEPHALIA SPLANCHNOCYSTICA. Identifiers: Orphanet 564, MedGen C0265215, MONDO:0018921.
Joubert syndrome. Also called: JOUBERT-BOLTSHAUSER SYNDROME; Familial aplasia of the vermis. Identifiers: Orphanet 475, MedGen C5979921, MONDO:0018772.
Joubert syndrome 5 (JBTS5). Identifiers: Orphanet 2318, MedGen C1857780, MONDO:0012432, OMIM 610188.
Meckel syndrome, type 4 (MKS4). Also called: MECKEL-GRUBER SYNDROME, TYPE 4. Identifiers: Orphanet 564, MedGen C1970161, MONDO:0012626, OMIM 611134.
Bardet-Biedl syndrome 14 (BBS14). Identifiers: Orphanet 110, MedGen C2673874, MONDO:0014442, OMIM 615991.
Senior-Loken syndrome 6 (SLSN6). Identifiers: Orphanet 3156, MedGen C1857779, MONDO:0012433, OMIM 610189.
Leber congenital amaurosis 10 (LCA10). Identifiers: Orphanet 65, MedGen C1857821, MONDO:0012723, OMIM 611755.
Leber congenital amaurosis (LCA). Also called: Leber's amaurosis. Identifiers: Orphanet 65, MedGen C0339527, MeSH D057130, MONDO:0018998.

Allele frequency attached by ClinVar (database versions not stated): gnomAD exomes below 0.00001 and 0.00001; gnomAD 0.00001; TOPMed 0.00001.

Submissions (6):

PreventionGenetics, part of Exact Sciences
Classification: Uncertain significance for CEP290-related condition. Last evaluated: 2026-09-08. Review status: criteria provided, single submitter. Criteria: ACMG Guidelines, 2015. Collection method: clinical testing. Allele origin: germline.
Comment: The CEP290 c.3858C>A variant is predicted to result in the amino acid substitution p.Phe1286Leu. To our knowledge, this variant has not been reported in the literature. This variant is reported in 0.0024% of alleles in individuals of European (Non-Finnish) descent in gnomAD. At this time, the clinical significance of this variant is uncertain due to the absence of conclusive functional and genetic evidence.

GeneDx
Classification: Uncertain significance. Last evaluated: 2024-01-05. Review status: criteria provided, single submitter. Criteria: GeneDx Variant Classification Process June 2021. Collection method: clinical testing. Allele origin: germline. Affected: yes.
Comment: Not observed at significant frequency in large population cohorts (gnomAD); In silico analysis supports that this missense variant does not alter protein structure/function; Has not been previously published as pathogenic or benign to our knowledge

Labcorp Genetics (formerly Invitae), Labcorp
Classification: Uncertain significance for Joubert syndrome; Meckel-Gruber syndrome; Nephronophthisis. Last evaluated: 2022-06-20. Review status: criteria provided, single submitter. Criteria: Invitae Variant Classification Sherloc (09022015). Collection method: clinical testing. Allele origin: germline.
Comment: This sequence change replaces phenylalanine, which is neutral and non-polar, with leucine, which is neutral and non-polar, at codon 1286 of the CEP290 protein (p.Phe1286Leu). This variant is present in population databases (no rsID available, gnomAD 0.002%). This variant has not been reported in the literature in individuals affected with CEP290-related conditions. ClinVar contains an entry for this variant (Variation ID: 461783). Algorithms developed to predict the effect of missense changes on protein structure and function are either unavailable or do not agree on the potential impact of this missense change (SIFT: "Deleterious"; PolyPhen-2: "Probably Damaging"; Align-GVGD: "Class C15"). In summary, the available evidence is currently insufficient to determine the role of this variant in disease. Therefore, it has been classified as a Variant of Uncertain Significance.

Fulgent Genetics
Classification: Uncertain significance for Joubert syndrome 5; Senior-Loken syndrome 6; Meckel syndrome, type 4; Leber congenital amaurosis 10; Bardet-Biedl syndrome 14. Last evaluated: 2022-04-18. Review status: criteria provided, single submitter. Criteria: ACMG Guidelines, 2015. Collection method: clinical testing. Allele origin: unknown.

Blueprint Genetics
Classification: Uncertain significance. Last evaluated: 2019-12-22. Review status: criteria provided, single submitter. Criteria: ACMG Guidelines, 2015. Collection method: clinical testing. Allele origin: germline.

Natera, Inc.
Classification: Uncertain significance for Leber congenital amaurosis. Last evaluated: 2020-09-16. Review status: no assertion criteria provided. Collection method: clinical testing. Allele origin: germline. Not counted in ClinVar's aggregate classification.

NM_025114.4(CEP290):c.3858C>A (p.Phe1286Leu)

Gene: CEP290 (centrosomal protein 290; minus strand). Cytogenetic location: 12q21.32.
Variant type: single nucleotide variant.
Coding change: c.3858C>A on transcript NM_025114.4 (MANE Select); coding-DNA position 3858, C replaced by A.
Protein change: p.Phe1286Leu; replaces phenylalanine 1286 with leucine.
Molecular consequence: missense variant.
Genome position (GRCh38, 1-based): chr12:88,089,203, G>T on the plus strand (C>A on the coding strand, the complement: CEP290 is on the minus strand). VCF-style: chr12-88089203-G-T. GRCh37 (hg19) VCF-style: chr12-88482980-G-T.
Other names: short protein forms F1286L.
Identifiers: ClinVar variation 461783 (VCV000461783.8), dbSNP rs1353300022, ClinGen allele CA386000558.